The following is an entry in ClinVar:

NM_017780.4(CHD7):c.8077G>A (p.Gly2693Ser)

Gene: CHD7 (chromodomain helicase DNA binding protein 7; plus strand). Cytogenetic location: 8q12.2.
Variant type: single nucleotide variant.
Coding change: c.8077G>A on transcript NM_017780.4 (MANE Select); coding-DNA position 8077, G replaced by A.
Protein change: p.Gly2693Ser; replaces glycine 2693 with serine.
Molecular consequence: missense variant.
Genome position (GRCh38, 1-based): chr8:60,865,016, G>A. VCF-style: chr8-60865016-G-A. GRCh37 (hg19) VCF-style: chr8-61777575-G-A.
Other names: c.1930G>A, p.Gly644Ser (NM_001316690.1); short protein forms G644S, G2693S.
Identifiers: ClinVar variation 1507799 (VCV001507799.8), dbSNP rs1563673201, ClinGen allele CA371307059.

ClinVar aggregate classification (germline): Uncertain significance (1 of 4 stars; one submission).

Conditions:
CHARGE syndrome (CHARGE). Also called: Coloboma, heart anomaly, choanal atresia, retardation, genital and ear anomalies; CHARGE association; Hall-Hittner syndrome; Hittner Hirsch Kreh syndrome; CHARGE ASSOCIATION--COLOBOMA, HEART ANOMALY, CHOANAL ATRESIA, RETARDATION, GENITAL AND EAR ANOMALIES. Identifiers: Orphanet 138, MedGen C0265354, MONDO:0008965.

Submission:

Labcorp Genetics (formerly Invitae), Labcorp
Classification: Uncertain significance for CHARGE syndrome. Last evaluated: 2025-01-15. Review status: criteria provided, single submitter. Criteria: Invitae Variant Classification Sherloc (09022015). Collection method: clinical testing. Allele origin: germline.
Comment: This sequence change replaces glycine, which is neutral and non-polar, with serine, which is neutral and polar, at codon 2693 of the CHD7 protein (p.Gly2693Ser). This variant is not present in population databases (gnomAD no frequency). This variant has not been reported in the literature in individuals affected with CHD7-related conditions. ClinVar contains an entry for this variant (Variation ID: 1507799). An algorithm developed to predict the effect of missense changes on protein structure and function (PolyPhen-2) suggests that this variant is likely to be disruptive. Algorithms developed to predict the effect of sequence changes on RNA splicing suggest that this variant may disrupt the consensus splice site. In summary, the available evidence is currently insufficient to determine the role of this variant in disease. Therefore, it has been classified as a Variant of Uncertain Significance.